The following is an entry in ClinVar:

ClinVar aggregate classification (germline): Likely pathogenic (1 of 4 stars; one submission).

Submission:

GeneDx
Classification: Likely pathogenic. Last evaluated: 2026-07-14. Review status: criteria provided, single submitter. Criteria: GeneDx Variant Classification Process June 2021. Collection method: clinical testing. Allele origin: germline.
Comment: Not observed at significant frequency in large population cohorts (gnomAD); In silico analysis supports that this missense variant has a deleterious effect on protein structure/function; Has not been previously published as pathogenic or benign to our knowledge; This substitution is predicted to be within the extracellular loop between the S5 and S6 transmembrane segments of the third homologous domain

NM_001040142.2(SCN2A):c.4145A>G (p.Asn1382Ser)

Gene: SCN2A (sodium voltage-gated channel alpha subunit 2; plus strand). Cytogenetic location: 2q24.3.
Variant type: single nucleotide variant.
Coding change: c.4145A>G on transcript NM_001040142.2 (MANE Select); coding-DNA position 4145, A replaced by G.
Protein change: p.Asn1382Ser; replaces asparagine 1382 with serine.
Molecular consequence: missense variant.
Genome position (GRCh38, 1-based): chr2:165,374,857, A>G. VCF-style: chr2-165374857-A-G. GRCh37 (hg19) VCF-style: chr2-166231367-A-G.
Other names: c.4145A>G, p.Asn1382Ser (NM_001040143.2, NM_001371246.1, NM_001371247.1 and 1 more transcripts); short protein forms N1382S.
Identifiers: ClinVar variation 4538664 (VCV004538664.2).